The following is an entry in ClinVar:

ClinVar aggregate classification (germline): Uncertain significance (1 of 4 stars; one submission).

Submission:

Labcorp Genetics (formerly Invitae), Labcorp
Classification: Uncertain significance. Last evaluated: 2026-01-12. Review status: criteria provided, single submitter. Criteria: Invitae Variant Classification Sherloc (09022015). Collection method: clinical testing. Allele origin: germline.
Comment: This variant, c.208_213del, results in the deletion of 2 amino acid(s) of the GDF5 protein (p.Thr70_Asn71del), but otherwise preserves the integrity of the reading frame. This variant is not present in population databases (gnomAD no frequency). This variant has not been reported in the literature in individuals affected with GDF5-related conditions. Experimental studies and prediction algorithms are not available or were not evaluated, and the functional significance of this variant is currently unknown. In summary, the available evidence is currently insufficient to determine the role of this variant in disease. Therefore, it has been classified as a Variant of Uncertain Significance.

NM_000557.5(GDF5):c.208_213del (p.Thr70_Asn71del)

Gene: GDF5 (growth differentiation factor 5; minus strand). Cytogenetic location: 20q11.22.
Variant type: Deletion.
Coding change: c.208_213del on transcript NM_000557.5 (MANE Select); coding-DNA positions 208 to 213, 6 bases deleted (ACCAAT; older notation c.208_213delACCAAT).
Protein change: p.Thr70_Asn71del.
Genome position (GRCh38, 1-based): chr20:35,437,716-35,437,721, ATTGGT deleted on the plus strand (ACCAAT on the coding strand, the reverse complement: GDF5 is on the minus strand). VCF-style (leftmost placement, unchanged base first): chr20-35437715-CATTGGT-C. GRCh37 (hg19) VCF-style: chr20-34025495-CATTGGT-C.
Other names: c.208_213del, p.Thr70_Asn71del (NM_001319138.2).
Identifiers: ClinVar variation 4777345 (VCV004777345.1).